The following is an entry in ClinVar:

NM_001267550.2(TTN):c.57367A>G (p.Thr19123Ala)

Genes: TTN (titin; minus strand), TTN-AS1 (TTN antisense RNA 1; plus strand). Cytogenetic location: 2q31.2.
Variant type: single nucleotide variant.
Coding change: c.57367A>G on transcript NM_001267550.2 (MANE Select); coding-DNA position 57367, A replaced by G.
Protein change: p.Thr19123Ala; replaces threonine 19123 with alanine.
Molecular consequence: missense variant.
Genome position (GRCh38, 1-based): chr2:178,597,715, T>C on the plus strand (A>G on the coding strand, the complement: TTN is on the minus strand). VCF-style: chr2-178597715-T-C. GRCh37 (hg19) VCF-style: chr2-179462442-T-C.
Other names: c.49663A>G, p.Thr16555Ala (NM_133378.4); c.30547A>G, p.Thr10183Ala (NM_133432.3); c.52444A>G, p.Thr17482Ala (NM_001256850.1); c.30172A>G, p.Thr10058Ala (NM_003319.4); c.30748A>G, p.Thr10250Ala (NM_133437.4); short protein forms T10183A, T19123A, T16555A, T17482A, T10250A, T10058A.
Identifiers: ClinVar variation 155846 (VCV000155846.8), dbSNP rs587782985, ClinGen allele CA178671.
Genomic context (GRCh38, chr2:178,597,715, plus strand): 5'-CTGTGGTCTCAATGGTGGCTTCTTGAGGTAAGGTTCTTTCATTCATGTTCCAGGTGACGG[T>C]TGGAGGAGGCTTTCCAGACACATAGGCAATGATTCGGATCACCCCTCCAGCATGGACAAC-3'
Protein context (NP_001254479.2, residues 19113-19133): IAYVSGKPPP[Thr19123Ala]VTWNMNERTL

ClinVar aggregate classification (germline): Uncertain significance. Review status: criteria provided, multiple submitters, no conflicts (2 of 4 stars). 3 submissions from 3 submitters: Uncertain significance (3). Last evaluated 2024-05-27.

Conditions:
Autosomal recessive limb-girdle muscular dystrophy type 2J (LGMDR10). Also called: MUSCULAR DYSTROPHY, LIMB-GIRDLE, AUTOSOMAL RECESSIVE 10; Limb-girdle muscular dystrophy, type 2J. Identifiers: Orphanet 140922, MedGen C1837342, MONDO:0012127, OMIM 608807.
Dilated cardiomyopathy 1G (CMD1G). Identifiers: Orphanet 154, MedGen C1858763, MONDO:0011400, OMIM 604145.

Allele frequency attached by ClinVar (database versions not stated): ExAC 0.00001; TOPMed 0.00002; gnomAD exomes 0.00004 and 0.00002; gnomAD 0.00001.
gnomAD v4.1: 31 of 1,613,224 alleles (0.0019%); highest among the groups gnomAD compares: Middle Eastern, 0.016%; 2 homozygotes.

Submissions (3):

Revvity Omics, Revvity
Classification: Uncertain significance. Last evaluated: 2024-05-27. Review status: criteria provided, single submitter. Criteria: ACMG Guidelines, 2015. Collection method: clinical testing. Allele origin: germline.

Labcorp Genetics (formerly Invitae), Labcorp
Classification: Uncertain significance for Dilated cardiomyopathy 1G; Autosomal recessive limb-girdle muscular dystrophy type 2J. Last evaluated: 2017-05-31. Review status: criteria provided, single submitter. Criteria: Invitae Variant Classification Sherloc (09022015). Collection method: clinical testing. Allele origin: germline.

Laboratory for Molecular Medicine, Mass General Brigham Personalized Medicine
Classification: Uncertain significance. Last evaluated: 2014-08-11. Review status: criteria provided, single submitter. Criteria: LMM Criteria. Collection method: clinical testing. Allele origin: germline. Observed: 1 variant allele.
Comment: The Thr16555Ala variant in TTN has not been previously reported in individuals w ith cardiomyopathy or in large population studies. Computational prediction tool s and conservation analysis do not provide strong support for or against an impa ct to the protein, though 1 species (lizard) carries an alanine (Ala) at this po sition, raising the possibility that this change may be tolerated. In summary, t he clinical significance of the Thr16555Ala variant is uncertain.